The following is an entry in ClinVar:

ClinVar aggregate classification (germline): Uncertain significance (1 of 4 stars; one submission).

gnomAD v4.1: 1 of 1,614,138 alleles (0.000062%); highest among the groups gnomAD compares: African/African-American, 0.0013%; no homozygotes.

Submission:

Labcorp Genetics (formerly Invitae), Labcorp
Classification: Uncertain significance. Last evaluated: 2026-01-02. Review status: criteria provided, single submitter. Criteria: Invitae Variant Classification Sherloc (09022015). Collection method: clinical testing. Allele origin: germline.
Comment: This sequence change replaces cysteine, which is neutral and slightly polar, with tyrosine, which is neutral and polar, at codon 1044 of the DUOX2 protein (p.Cys1044Tyr). This variant is not present in population databases (gnomAD no frequency). This variant has not been reported in the literature in individuals affected with DUOX2-related conditions. Invitae Evidence Modeling of protein sequence and biophysical properties (such as structural, functional, and spatial information, amino acid conservation, physicochemical variation, residue mobility, and thermodynamic stability) has been performed for this missense variant. However, the output from this modeling did not meet the statistical confidence thresholds required to predict the impact of this variant on DUOX2 protein function. Algorithms developed to predict the effect of sequence changes on RNA splicing suggest that this variant may create or strengthen a splice site. In summary, the available evidence is currently insufficient to determine the role of this variant in disease. Therefore, it has been classified as a Variant of Uncertain Significance.

NM_001363711.2(DUOX2):c.3131G>A (p.Cys1044Tyr)

Gene: DUOX2 (dual oxidase 2; minus strand). Cytogenetic location: 15q21.1.
Variant type: single nucleotide variant.
Coding change: c.3131G>A on transcript NM_001363711.2 (MANE Select); coding-DNA position 3131, G replaced by A.
Protein change: p.Cys1044Tyr; replaces cysteine 1044 with tyrosine.
Molecular consequence: missense variant.
Genome position (GRCh38, 1-based): chr15:45,100,103, C>T on the plus strand (G>A on the coding strand, the complement: DUOX2 is on the minus strand). VCF-style: chr15-45100103-C-T. GRCh37 (hg19) VCF-style: chr15-45392301-C-T.
Other names: c.3131G>A, p.Cys1044Tyr (NM_014080.5); short protein forms C1044Y.
Identifiers: ClinVar variation 4703139 (VCV004703139.1).